The following is an entry in ClinVar:

ClinVar aggregate classification (germline): Uncertain significance (1 of 4 stars; one submission).

Conditions:
Familial adenomatous polyposis 1 (FAP1). Also called: POLYPOSIS, ADENOMATOUS INTESTINAL; FAMILIAL ADENOMATOUS POLYPOSIS 1, ATTENUATED. Identifiers: MedGen C2713442, MONDO:0021056, OMIM 175100. Disease mechanism: loss of function.

Submission:

Labcorp Genetics (formerly Invitae), Labcorp
Classification: Uncertain significance for Familial adenomatous polyposis 1. Last evaluated: 2022-07-16. Review status: criteria provided, single submitter. Criteria: Invitae Variant Classification Sherloc (09022015). Collection method: clinical testing. Allele origin: germline.
Comment: This sequence change replaces tryptophan, which is neutral and slightly polar, with serine, which is neutral and polar, at codon 1049 of the APC protein (p.Trp1049Ser). This variant is not present in population databases (gnomAD no frequency). This variant has not been reported in the literature in individuals affected with APC-related conditions. Algorithms developed to predict the effect of missense changes on protein structure and function (SIFT, PolyPhen-2, Align-GVGD) all suggest that this variant is likely to be disruptive. In summary, the available evidence is currently insufficient to determine the role of this variant in disease. Therefore, it has been classified as a Variant of Uncertain Significance.

NM_000038.6(APC):c.3146G>C (p.Trp1049Ser)

Gene: APC (APC regulator of Wnt signaling pathway; plus strand). Cytogenetic location: 5q22.2.
Variant type: single nucleotide variant.
Coding change: c.3146G>C on transcript NM_000038.6 (MANE Select); coding-DNA position 3146, G replaced by C.
Protein change: p.Trp1049Ser; replaces tryptophan 1049 with serine.
Molecular consequence: missense variant.
Genome position (GRCh38, 1-based): chr5:112,838,740, G>C. VCF-style: chr5-112838740-G-C. GRCh37 (hg19) VCF-style: chr5-112174437-G-C.
Other names: c.3146G>C, p.Trp1049Ser (NM_001127510.3, NM_001354895.2, NM_001407450.1); c.3092G>C, p.Trp1031Ser (NM_001127511.3); c.3200G>C, p.Trp1067Ser (NM_001354896.2, NM_001407447.1, NM_001407448.1 and 1 more transcripts); c.3176G>C, p.Trp1059Ser (NM_001354897.2); c.3071G>C, p.Trp1024Ser (NM_001354898.2); c.3062G>C, p.Trp1021Ser (NM_001354899.2); c.3023G>C, p.Trp1008Ser (NM_001354900.2); c.2969G>C, p.Trp990Ser (NM_001354901.2, NM_001407453.1); and 11 more; short protein forms W1008S, W1021S, W1024S, W1031S, W1039S, W1042S, W1049S, W1059S.
Identifiers: ClinVar variation 1715777 (VCV001715777.6), dbSNP rs876658667, ClinGen allele CA16028228.